The following is an entry in ClinVar:

NM_003995.4(NPR2):c.328C>T (p.Arg110Cys)

Gene: NPR2 (natriuretic peptide receptor 2; plus strand). Cytogenetic location: 9p13.3.
Variant type: single nucleotide variant.
Coding change: c.328C>T on transcript NM_003995.4 (MANE Select); coding-DNA position 328, C replaced by T.
Protein change: p.Arg110Cys; replaces arginine 110 with cysteine.
Molecular consequence: missense variant.
Genome position (GRCh38, 1-based): chr9:35,792,736, C>T. VCF-style: chr9-35792736-C-T. GRCh37 (hg19) VCF-style: chr9-35792733-C-T.
Other names: c.328C>T, p.Arg110Cys (NM_001378923.1); short protein forms R110C.
Identifiers: ClinVar variation 208359 (VCV000208359.18), dbSNP rs758478717, ClinGen allele CA204432.
Genomic context (GRCh38, chr9:35,792,736, plus strand): 5'-TACCATGACCCCGACCTGCTGTTAGGTCCCGGTTGCGTGTACCCTGCTGCCTCTGTGGCC[C>T]GCTTTGCCTCCCACTGGCGCCTTCCCCTGCTGACTGCGGGTGCTGTGGCCTCTGGTTTTT-3'
Protein context (NP_003986.2, residues 100-120): GCVYPAASVA[Arg110Cys]FASHWRLPLL

ClinVar aggregate classification (germline): Conflicting classifications of pathogenicity. Review status: criteria provided, conflicting classifications (1 of 4 stars). 6 submissions from 6 submitters: Likely pathogenic (2); Uncertain significance (3). 1 of the submissions does not count toward it. Last evaluated 2026-04-02.

Conditions:
NPR2-related disorder. Also called: NPR2-related disorders; NPR2-related condition.
Short stature with nonspecific skeletal abnormalities. Identifiers: MedGen C4225399, MONDO:0975810.
Acromesomelic dysplasia 1, Maroteaux type (AMD1). Also called: ACROMESOMELIC DYSPLASIA 1; ST. HELENA DYSPLASIA. Identifiers: Orphanet 40, MedGen C1864356, MONDO:0011275, OMIM 602875.
Tall stature-scoliosis-macrodactyly of the great toes syndrome. Also called: Epiphyseal chondrodysplasia, miura type. Identifiers: Orphanet 329191, MedGen C4014690, MONDO:0014401, OMIM 615923.

Allele frequency attached by ClinVar (database versions not stated): gnomAD exomes below 0.00001; TOPMed below 0.00001; ExAC 0.00001.

Submissions (6):

GeneDx
Classification: Uncertain significance. Last evaluated: 2026-04-02. Review status: criteria provided, single submitter. Criteria: GeneDx Variant Classification Process June 2021. Collection method: clinical testing. Allele origin: germline.
Comment: Published functional studies suggest a damaging effect (PMID: 24471569); Not observed at significant frequency in large population cohorts (gnomAD); In silico analysis supports that this missense variant has a deleterious effect on protein structure/function; This variant is associated with the following publications: (PMID: 38937821, 32694885, 24471569, 27941173, 31960617, 38737102, 35368703, 33288834)

PreventionGenetics, part of Exact Sciences
Classification: Likely pathogenic for NPR2-related condition. Last evaluated: 2025-01-25. Review status: criteria provided, single submitter. Criteria: ACMG Guidelines, 2015. Collection method: clinical testing. Allele origin: germline.
Comment: The NPR2 c.328C>T variant is predicted to result in the amino acid substitution p.Arg110Cys. This variant has been reported in the homozygous state in a patient with Maroteaux type acromesomelic dysplasia 1, and in the heterozygous state in a mother and son with short stature (Amano et al. 2014. PubMed ID: 24471569; Simsek-Kiper et al. 2020. PubMed ID: 33288834). Functional studies support its pathogenicity (Hwang et al. 2020. PubMed ID: 31960617; Amano et al. 2014. PubMed ID: 24471569). An alternate variant at the same amino acid position has also been reported in association with autosomal dominant and autosomal recessive NPR2-related phenotypes (Simsek-Kiper et al. 2021. PubMed ID: 33288834; Wu et al. 2022. PubMed ID: 35368703). This variant is reported in 0.00088% of alleles in individuals of European (Non-Finnish) descent in gnomAD. This variant is interpreted as likely pathogenic for autosomal recessive NPR2-related disorders. While we suspect it could also be causative for autosomal dominant NPR2-related short stature, its clinical significance in the heterozygous state remains uncertain at this time.

Labcorp Genetics (formerly Invitae), Labcorp
Classification: Uncertain significance for Tall stature-scoliosis-macrodactyly of the great toes syndrome; Acromesomelic dysplasia 1, Maroteaux type. Last evaluated: 2024-11-27. Review status: criteria provided, single submitter. Criteria: Invitae Variant Classification Sherloc (09022015). Collection method: clinical testing. Allele origin: germline.
Comment: This sequence change replaces arginine, which is basic and polar, with cysteine, which is neutral and slightly polar, at codon 110 of the NPR2 protein (p.Arg110Cys). This variant is present in population databases (rs758478717, gnomAD 0.0009%). This missense change has been observed in individual(s) with autosomal recessive acromesomelic dysplasia (PMID: 24471569, 33288834). ClinVar contains an entry for this variant (Variation ID: 208359). Invitae Evidence Modeling of protein sequence and biophysical properties (such as structural, functional, and spatial information, amino acid conservation, physicochemical variation, residue mobility, and thermodynamic stability) indicates that this missense variant is expected to disrupt NPR2 protein function with a positive predictive value of 80%. Experimental studies have shown that this missense change affects NPR2 function (PMID: 24471569). This variant disrupts the p.Arg110 amino acid residue in NPR2. Other variant(s) that disrupt this residue have been observed in individuals with NPR2-related conditions (PMID: 33288834, 35368703), which suggests that this may be a clinically significant amino acid residue. In summary, the available evidence is currently insufficient to determine the role of this variant in disease. Therefore, it has been classified as a Variant of Uncertain Significance.

Hacettepe Genetic Diseases Diagnosis Center, Hacettepe University Faculty of Medicine
Classification: Uncertain significance for Acromesomelic dysplasia 1, Maroteaux type. Last evaluated: 2020-05-04. Review status: criteria provided, single submitter. Criteria: ACMG Guidelines, 2015. Collection method: clinical testing. Allele origin: germline. Inheritance: Autosomal recessive inheritance. Affected: yes. Observed: 1 compound heterozygote.
Comment: Of these two variants, one is a missense variant (c.328C>T, p.Arg110Cys) which has been previously described in the heterozygous state in a patient with short stature. The R110C variant in the NPR2 gene was associated with a significant loss in the C-type natriuretic peptide-dependent cGMP response. This variant has also been shown to have a dominant negative effect and to cause defects in the intracellular trafficking from the endoplasmic reticulum to the Golgi apparatus by in vitro functional studies (Amano et al.,2014). This variant was classified as uncertain significance according to the ACMG guidelines and predicted to be deleterious by in silico pathogenicity prediction tools such as PolyPhen and MutationTaster.

Revvity Omics, Revvity
Classification: Likely pathogenic. Last evaluated: 2020-04-05. Review status: criteria provided, single submitter. Criteria: ACMG Guidelines, 2015. Collection method: clinical testing. Allele origin: germline.

OMIM
Classification: Pathogenic for SHORT STATURE WITH NONSPECIFIC SKELETAL ABNORMALITIES 1. Last evaluated: 2014-04-01. Review status: no assertion criteria provided. Collection method: literature only. Allele origin: germline. Not counted in ClinVar's aggregate classification.

Literature cited by the submitters: PubMed 24471569 (cited by Labcorp Genetics (formerly Invitae), Labcorp and OMIM); PubMed 33288834 (cited by Labcorp Genetics (formerly Invitae), Labcorp); PubMed 35368703 (cited by Labcorp Genetics (formerly Invitae), Labcorp).